The following is an entry in ClinVar:

ClinVar aggregate classification (germline): Likely pathogenic (1 of 4 stars; one submission).

Conditions:
GRIN2B-related disorder. Also called: GRIN2B-related condition.

Submission:

PreventionGenetics, part of Exact Sciences
Classification: Likely pathogenic for GRIN2B-related condition. Last evaluated: 2023-01-31. Review status: criteria provided, single submitter. Criteria: ACMG Guidelines, 2015. Collection method: clinical testing. Allele origin: germline.
Comment: The GRIN2B c.2806G>T variant is predicted to result in premature protein termination (p.Glu936*). To our knowledge, this variant has not been reported in the literature or in a large population database, indicating this variant is rare. However, loss of function variants in GRIN2B are expected to be pathogenic (see, for example, Santos-Gómez et al. 2021. PubMed ID: 33043365). This variant is interpreted as likely pathogenic.

NM_000834.5(GRIN2B):c.2806G>T (p.Glu936Ter)

Gene: GRIN2B (glutamate ionotropic receptor NMDA type subunit 2B; minus strand). Cytogenetic location: 12p13.1.
Variant type: single nucleotide variant.
Coding change: c.2806G>T on transcript NM_000834.5 (MANE Select); coding-DNA position 2806, G replaced by T.
Protein change: p.Glu936Ter; replaces glutamic acid 936 with a stop codon.
Molecular consequence: nonsense.
Genome position (GRCh38, 1-based): chr12:13,564,432, C>A on the plus strand (G>T on the coding strand, the complement: GRIN2B is on the minus strand). VCF-style: chr12-13564432-C-A. GRCh37 (hg19) VCF-style: chr12-13717366-C-A.
Other names: c.2806G>T, p.Glu936Ter (NM_001413992.1); short protein forms E936*.
Identifiers: ClinVar variation 2630296 (VCV002630296.1), dbSNP rs2497471018, ClinGen allele CA383993477.
Genomic context (GRCh38, chr12:13,564,432, plus strand): 5'-CCTCACAGGGCGGGTTGTTGTAGGATTTGCAGTCAGAATGCGTGAAGCTGCGGCGGTGCT[C>A]TGAGATGTCATAGACGGATGACTCCCGTCGGATGAAGTCCAGGGCGCTCTGCGGTGAGCC-3'